The following is an entry in ClinVar:

NM_003906.5(MCM3AP):c.2011G>A (p.Ala671Thr)

Gene: MCM3AP (minichromosome maintenance complex component 3 associated protein; minus strand). Cytogenetic location: 21q22.3.
Variant type: single nucleotide variant.
Coding change: c.2011G>A on transcript NM_003906.5 (MANE Select); coding-DNA position 2011, G replaced by A.
Protein change: p.Ala671Thr; replaces alanine 671 with threonine.
Molecular consequence: missense variant.
Genome position (GRCh38, 1-based): chr21:46,273,573, C>T on the plus strand (G>A on the coding strand, the complement: MCM3AP is on the minus strand). VCF-style: chr21-46273573-C-T. GRCh37 (hg19) VCF-style: chr21-47693487-C-T.
Other names: short protein forms A671T.
Identifiers: ClinVar variation 1912470 (VCV001912470.5), dbSNP rs2517410110, ClinGen allele CA410525889.

ClinVar aggregate classification (germline): Uncertain significance (1 of 4 stars; one submission).

Allele frequency attached by ClinVar (database versions not stated): gnomAD exomes below 0.00001.
gnomAD v4.1: 3 of 1,613,718 alleles (0.00019%); highest among the groups gnomAD compares: South Asian, 0.0033%; no homozygotes.

Submission:

Labcorp Genetics (formerly Invitae), Labcorp
Classification: Uncertain significance. Last evaluated: 2022-03-14. Review status: criteria provided, single submitter. Criteria: Invitae Variant Classification Sherloc (09022015). Collection method: clinical testing. Allele origin: germline.
Comment: This sequence change replaces alanine, which is neutral and non-polar, with threonine, which is neutral and polar, at codon 671 of the MCM3AP protein (p.Ala671Thr). In summary, the available evidence is currently insufficient to determine the role of this variant in disease. Therefore, it has been classified as a Variant of Uncertain Significance. Algorithms developed to predict the effect of missense changes on protein structure and function are either unavailable or do not agree on the potential impact of this missense change (SIFT: "Tolerated"; PolyPhen-2: "Possibly Damaging"; Align-GVGD: "Class C0"). This variant has not been reported in the literature in individuals affected with MCM3AP-related conditions. This variant is not present in population databases (gnomAD no frequency).